The following is an entry in ClinVar:

ClinVar aggregate classification (germline): Pathogenic/Likely pathogenic. Review status: criteria provided, multiple submitters, no conflicts (2 of 4 stars). 6 submissions from 6 submitters: Pathogenic (5); Likely pathogenic (1). Last evaluated 2025-08-28.

Conditions:
Neurofibromatosis, type 1 (NF1). Also called: Peripheral type neurofibromatosis; Neurofibromatosis, type I; NEUROFIBROMATOSIS, TYPE I, SOMATIC; VON RECKLINGHAUSEN DISEASE. Identifiers: Orphanet 636, MedGen C0027831, MONDO:0018975, OMIM 162200. Disease mechanism: loss of function.
Hereditary cancer-predisposing syndrome. Also called: Hereditary Cancer Syndrome; Neoplastic Syndromes, Hereditary; Hereditary neoplastic syndrome; Tumor predisposition. Identifiers: Orphanet 140162, MedGen C0027672, MeSH D009386, MONDO:0015356.
Cardiovascular phenotype. Identifiers: MedGen CN230736.
Tibial pseudarthrosis. Identifiers: MedGen C4024216, HP:0009736.

Submissions (6):

Labcorp Genetics (formerly Invitae), Labcorp
Classification: Pathogenic for Neurofibromatosis, type 1. Last evaluated: 2025-08-28. Review status: criteria provided, single submitter. Criteria: Invitae Variant Classification Sherloc (09022015). Collection method: clinical testing. Allele origin: germline.
Comment: This sequence change creates a premature translational stop signal (p.Cys2113Tyrfs*8) in the NF1 gene. It is expected to result in an absent or disrupted protein product. Loss-of-function variants in NF1 are known to be pathogenic (PMID: 10712197, 23913538). This variant is not present in population databases (gnomAD no frequency). This premature translational stop signal has been observed in individual(s) with NF1-related conditions (PMID: 26056819, 31533797, 31776437). ClinVar contains an entry for this variant (Variation ID: 818199). For these reasons, this variant has been classified as Pathogenic.

Ambry Genetics
Classification: Pathogenic for Cardiovascular phenotype; Hereditary cancer-predisposing syndrome. Last evaluated: 2022-11-14. Review status: criteria provided, single submitter. Criteria: Ambry Variant Classification Scheme 2023. Collection method: clinical testing. Allele origin: germline.
Comment: The c.6338_6339delGT pathogenic mutation, located in coding exon 41 of the NF1 gene, results from a deletion of two nucleotides at nucleotide positions 6338 to 6339, causing a translational frameshift with a predicted alternate stop codon (p.C2113Yfs*8). This alteration is expected to result in loss of function by premature protein truncation or nonsense-mediated mRNA decay. As such, this alteration is interpreted as a disease-causing mutation.

GeneDx
Classification: Pathogenic. Last evaluated: 2022-10-07. Review status: criteria provided, single submitter. Criteria: GeneDx Variant Classification Process June 2021. Collection method: clinical testing. Allele origin: germline. Affected: yes.
Comment: Frameshift variant predicted to result in protein truncation or nonsense mediated decay in a gene for which loss of function is a known mechanism of disease; Not observed at significant frequency in large population cohorts (gnomAD); Also known as 6336_6337del and 6401_6402del; This variant is associated with the following publications: (PMID: 31533797, 31776437, 26056819)

Genome-Nilou Lab
Classification: Pathogenic for Neurofibromatosis, type 1. Last evaluated: 2022-03-15. Review status: criteria provided, single submitter. Criteria: ACMG Guidelines, 2015. Collection method: clinical testing. Allele origin: germline. Affected: no.

Genome Diagnostics Laboratory, The Hospital for Sick Children
Classification: Likely pathogenic for Neurofibromatosis, type 1. Last evaluated: 2020-10-26. Review status: criteria provided, single submitter. Criteria: ACMG Guidelines, 2015. Collection method: clinical testing. Allele origin: germline. Affected: yes.

The Laboratory of Genetics and Metabolism, Hunan Children’s Hospital
Classification: Pathogenic for Neurofibromatosis, type 1; Tibial pseudoarthrosis. Last evaluated: 2018-11-10. Review status: criteria provided, single submitter. Criteria: ACMG Guidelines, 2015. Collection method: research. Allele origin: de novo. Affected: yes. Observed: 1 variant allele.

Literature cited by the submitters: PubMed 10712197 (cited by Labcorp Genetics (formerly Invitae), Labcorp); PubMed 23913538 (cited by Labcorp Genetics (formerly Invitae), Labcorp); PubMed 26056819 (cited by Labcorp Genetics (formerly Invitae), Labcorp); PubMed 31533797 (cited by Labcorp Genetics (formerly Invitae), Labcorp and The Laboratory of Genetics and Metabolism, Hunan Children’s Hospital); PubMed 31776437 (cited by Labcorp Genetics (formerly Invitae), Labcorp).

NM_001042492.3(NF1):c.6401_6402del (p.Cys2134fs)

Gene: NF1 (neurofibromin 1; plus strand). Cytogenetic location: 17q11.2.
Variant type: Microsatellite.
Coding change: c.6401_6402del on transcript NM_001042492.3 (MANE Select); coding-DNA positions 6401 to 6402, 2 bases deleted (GT; older notation c.6401_6402delGT).
Protein change: p.Cys2134fs; shifts the reading frame from cysteine 2134.
Molecular consequence: frameshift variant.
Genome position (GRCh38, 1-based): chr17:31,336,888-31,336,889, GT deleted; deleting any 2 consecutive bases within chr17:31,336,885-31,336,889 gives the same sequence; the c. name uses the placement nearest the transcript's 3' end. VCF-style (leftmost placement, unchanged base first): chr17-31336884-CTG-C. GRCh37 (hg19) VCF-style: chr17-29663902-CTG-C.
Other names: c.6401_6402del (NM_001042492.2); c.6338_6339delGT (NM_000267.3); c.6336_6337GT[1], p.Cys2113Tyrfs (NM_000267.4); short protein forms C2134fs, C2113fs.
Identifiers: ClinVar variation 818199 (VCV000818199.9), dbSNP rs1597843186, ClinGen allele CA915949927.